The following is an entry in ClinVar:

ClinVar aggregate classification (germline): Uncertain significance (1 of 4 stars; one submission).

Allele frequency attached by ClinVar (database versions not stated): gnomAD 0.00001.
gnomAD v4.1: 1 of 1,613,646 alleles (0.000062%); highest among the groups gnomAD compares: Non-Finnish European, 0.000085%; no homozygotes.

Submission:

Labcorp Genetics (formerly Invitae), Labcorp
Classification: Uncertain significance. Last evaluated: 2023-04-12. Review status: criteria provided, single submitter. Criteria: Invitae Variant Classification Sherloc (09022015). Collection method: clinical testing. Allele origin: germline.
Comment: This sequence change replaces serine, which is neutral and polar, with isoleucine, which is neutral and non-polar, at codon 756 of the OCA2 protein (p.Ser756Ile). In summary, the available evidence is currently insufficient to determine the role of this variant in disease. Therefore, it has been classified as a Variant of Uncertain Significance. Advanced modeling of protein sequence and biophysical properties (such as structural, functional, and spatial information, amino acid conservation, physicochemical variation, residue mobility, and thermodynamic stability) performed at Invitae indicates that this missense variant is not expected to disrupt OCA2 protein function. ClinVar contains an entry for this variant (Variation ID: 2193431). This variant has not been reported in the literature in individuals affected with OCA2-related conditions. This variant is not present in population databases (gnomAD no frequency).

NM_000275.3(OCA2):c.2267G>T (p.Ser756Ile)

Gene: OCA2 (OCA2 melanosomal transmembrane protein; minus strand). Cytogenetic location: 15q13.1.
Variant type: single nucleotide variant.
Coding change: c.2267G>T on transcript NM_000275.3 (MANE Select); coding-DNA position 2267, G replaced by T.
Protein change: p.Ser756Ile; replaces serine 756 with isoleucine.
Molecular consequence: missense variant.
Genome position (GRCh38, 1-based): chr15:27,851,453, C>A on the plus strand (G>T on the coding strand, the complement: OCA2 is on the minus strand). VCF-style: chr15-27851453-C-A. GRCh37 (hg19) VCF-style: chr15-28096599-C-A.
Other names: c.2195G>T, p.Ser732Ile (NM_001300984.2); short protein forms S732I, S756I.
Identifiers: ClinVar variation 2193431 (VCV002193431.4), dbSNP rs2035751311, ClinGen allele CA391360192.
Genomic context (GRCh38, chr15:27,851,453, plus strand): 5'-GCACCGAAGGCCAGGGCATACATGAGCGGCGGTGCGGGCAGGCCAACCTCAGGGTCGTGG[C>A]TCAGGTTCAGGAGCACGGGAATCTGTGGAGGAAGAGGACATTGATGCCACGTCCCATGGA-3'
Protein context (NP_000266.2, residues 746-766): ATMIPVLLNL[Ser756Ile]HDPEVGLPAP